The following is an entry in ClinVar:

ClinVar aggregate classification (germline): Uncertain significance (1 of 4 stars; one submission).

Conditions:
Familial adenomatous polyposis 1 (FAP1). Also called: POLYPOSIS, ADENOMATOUS INTESTINAL; FAMILIAL ADENOMATOUS POLYPOSIS 1, ATTENUATED. Identifiers: MedGen C2713442, MONDO:0021056, OMIM 175100. Disease mechanism: loss of function.

Submission:

Labcorp Genetics (formerly Invitae), Labcorp
Classification: Uncertain significance for Familial adenomatous polyposis 1. Last evaluated: 2020-03-06. Review status: criteria provided, single submitter. Criteria: Invitae Variant Classification Sherloc (09022015). Collection method: clinical testing. Allele origin: germline.
Comment: In summary, the available evidence is currently insufficient to determine the role of this variant in disease. Therefore, it has been classified as a Variant of Uncertain Significance. Algorithms developed to predict the effect of missense changes on protein structure and function (SIFT, PolyPhen-2, Align-GVGD) all suggest that this variant is likely to be tolerated, but these predictions have not been confirmed by published functional studies and their clinical significance is uncertain. This variant has not been reported in the literature in individuals with APC-related conditions. This variant is not present in population databases (ExAC no frequency). This sequence change replaces lysine with asparagine at codon 1762 of the APC protein (p.Lys1762Asn). The lysine residue is moderately conserved and there is a moderate physicochemical difference between lysine and asparagine.

NM_000038.6(APC):c.5286A>C (p.Lys1762Asn)

Gene: APC (APC regulator of Wnt signaling pathway; plus strand). Cytogenetic location: 5q22.2.
Variant type: single nucleotide variant.
Coding change: c.5286A>C on transcript NM_000038.6 (MANE Select); coding-DNA position 5286, A replaced by C.
Protein change: p.Lys1762Asn; replaces lysine 1762 with asparagine.
Molecular consequence: missense variant.
Genome position (GRCh38, 1-based): chr5:112,840,880, A>C. VCF-style: chr5-112840880-A-C. GRCh37 (hg19) VCF-style: chr5-112176577-A-C.
Other names: c.5286A>C, p.Lys1762Asn (NM_001127510.3, NM_001354895.2); c.5232A>C, p.Lys1744Asn (NM_001127511.3); c.5340A>C, p.Lys1780Asn (NM_001354896.2); c.5316A>C, p.Lys1772Asn (NM_001354897.2); c.5211A>C, p.Lys1737Asn (NM_001354898.2); c.5202A>C, p.Lys1734Asn (NM_001354899.2); c.5163A>C, p.Lys1721Asn (NM_001354900.2); c.5109A>C, p.Lys1703Asn (NM_001354901.2); and 5 more; short protein forms K1479N, K1602N, K1636N, K1661N, K1671N, K1703N, K1721N, K1734N.
Identifiers: ClinVar variation 1017043 (VCV001017043.10), dbSNP rs1765912491, ClinGen allele CA16032884.